The following is an entry in ClinVar:

ClinVar aggregate classification (germline): Likely pathogenic (1 of 4 stars; one submission).

Conditions:
DNAH8-related disorder. Also called: DNAH8-related condition.

Submission:

PreventionGenetics, part of Exact Sciences
Classification: Likely pathogenic for DNAH8-related condition. Last evaluated: 2026-09-23. Review status: criteria provided, single submitter. Criteria: ACMG Guidelines, 2015. Collection method: clinical testing. Allele origin: germline.
Comment: The DNAH8 c.12789G>A variant is predicted to result in premature protein termination (p.Trp4263*). To our knowledge, this variant has not been reported in the literature or in a large population database (gnomAD), indicating this variant is rare. Nonsense variants in DNAH8 are expected to be pathogenic. This variant is interpreted as likely pathogenic.

NM_001206927.2(DNAH8):c.12789G>A (p.Trp4263Ter)

Gene: DNAH8 (dynein axonemal heavy chain 8; plus strand). Cytogenetic location: 6p21.2.
Variant type: single nucleotide variant.
Coding change: c.12789G>A on transcript NM_001206927.2 (MANE Select); coding-DNA position 12789, G replaced by A.
Protein change: p.Trp4263Ter; replaces tryptophan 4263 with a stop codon.
Molecular consequence: nonsense.
Genome position (GRCh38, 1-based): chr6:38,974,484, G>A. VCF-style: chr6-38974484-G-A. GRCh37 (hg19) VCF-style: chr6-38942260-G-A.
Other names: c.12138G>A, p.Trp4046Ter (NM_001371.4); short protein forms W4263*, W4046*.
Identifiers: ClinVar variation 4996091 (VCV004996091.1).